The following is an entry in ClinVar:

NM_000051.4(ATM):c.3047G>A (p.Gly1016Glu)

Gene: ATM (ATM serine/threonine kinase; plus strand). Cytogenetic location: 11q22.3.
Variant type: single nucleotide variant.
Coding change: c.3047G>A on transcript NM_000051.4 (MANE Select); coding-DNA position 3047, G replaced by A.
Protein change: p.Gly1016Glu; replaces glycine 1016 with glutamic acid.
Molecular consequence: missense variant.
Genome position (GRCh38, 1-based): chr11:108,271,376, G>A. VCF-style: chr11-108271376-G-A. GRCh37 (hg19) VCF-style: chr11-108142103-G-A.
Other names: c.3047G>A, p.Gly1016Glu (NM_001351834.2); short protein forms G1016E.
Identifiers: ClinVar variation 925850 (VCV000925850.4), dbSNP rs1565425832, ClinGen allele CA382547592.

ClinVar aggregate classification (germline): Uncertain significance (1 of 4 stars; one submission).

Conditions:
Hereditary cancer-predisposing syndrome. Also called: Neoplastic Syndromes, Hereditary; Tumor predisposition; Hereditary Cancer Syndrome; Hereditary neoplastic syndrome. Identifiers: Orphanet 140162, MedGen C0027672, MeSH D009386, MONDO:0015356.

Submission:

Color Diagnostics, LLC DBA Color Health
Classification: Uncertain significance for Hereditary cancer-predisposing syndrome. Last evaluated: 2024-03-06. Review status: criteria provided, single submitter. Criteria: ACMG Guidelines, 2015. Collection method: clinical testing. Allele origin: germline.
Comment: This missense variant replaces glycine with glutamic acid at codon 1016 of the ATM protein. Computational prediction suggests that this variant may not impact protein structure and function (internally defined REVEL score threshold <= 0.5, PMID: 27666373). Splice site prediction tools suggest that this variant may not impact RNA splicing. To our knowledge, functional studies have not been performed for this variant. This variant has not been reported in individuals affected with hereditary cancer in the literature. This variant has not been identified in the general population by the Genome Aggregation Database (gnomAD). The available evidence is insufficient to determine the role of this variant in disease conclusively. Therefore, this variant is classified as a Variant of Uncertain Significance.